The following is an entry in ClinVar:

ClinVar aggregate classification (germline): Uncertain significance (1 of 4 stars; one submission).

Allele frequency attached by ClinVar (database versions not stated): gnomAD exomes below 0.00001.
gnomAD v4.1: 1 of 1,614,126 alleles (0.000062%); highest among the groups gnomAD compares: Non-Finnish European, 0.000085%; no homozygotes.

Submission:

Labcorp Genetics (formerly Invitae), Labcorp
Classification: Uncertain significance. Last evaluated: 2023-06-21. Review status: criteria provided, single submitter. Criteria: Invitae Variant Classification Sherloc (09022015). Collection method: clinical testing. Allele origin: germline.
Comment: This sequence change replaces tyrosine, which is neutral and polar, with cysteine, which is neutral and slightly polar, at codon 432 of the ACO2 protein (p.Tyr432Cys). This variant is present in population databases (no rsID available, gnomAD 0.0009%). This variant has not been reported in the literature in individuals affected with ACO2-related conditions. An algorithm developed to predict the effect of missense changes on protein structure and function (PolyPhen-2) suggests that this variant is likely to be tolerated. In summary, the available evidence is currently insufficient to determine the role of this variant in disease. Therefore, it has been classified as a Variant of Uncertain Significance.

NM_001098.3(ACO2):c.1295A>G (p.Tyr432Cys)

Gene: ACO2 (aconitase 2; plus strand). Cytogenetic location: 22q13.2.
Variant type: single nucleotide variant.
Coding change: c.1295A>G on transcript NM_001098.3 (MANE Select); coding-DNA position 1295, A replaced by G.
Protein change: p.Tyr432Cys; replaces tyrosine 432 with cysteine.
Molecular consequence: missense variant.
Genome position (GRCh38, 1-based): chr22:41,522,986, A>G. VCF-style: chr22-41522986-A-G. GRCh37 (hg19) VCF-style: chr22-41918990-A-G.
Other names: short protein forms Y432C.
Identifiers: ClinVar variation 2815918 (VCV002815918.3), dbSNP rs1373984093, ClinGen allele CA411725288.
Genomic context (GRCh38, chr22:41,522,986, plus strand): 5'-CCCAGTTCACCATCACTCCAGGTTCCGAGCAGATCCGCGCCACCATTGAGCGGGACGGCT[A>G]TGTGAGTGCCCATATCCCCCTGCCCATCTCCCCCACCCCATGCTGAGTAATGCCTCCAGG-3'
Protein context (NP_001089.1, residues 422-442): QIRATIERDG[Tyr432Cys]AQILRDLGGI